The following is an entry in ClinVar:

ClinVar aggregate classification (germline): Uncertain significance (1 of 4 stars; one submission).

Conditions:
Naxos disease (NXD). Also called: KERATOSIS PALMOPLANTARIS WITH ARRHYTHMOGENIC CARDIOMYOPATHY; MAL DE NAXOS; PALMOPLANTAR KERATODERMA WITH ARRHYTHMOGENIC RIGHT VENTRICULAR CARDIOMYOPATHY AND WOOLLY HAIR; WOOLLY HAIR, PALMOPLANTAR KERATODERMA, AND CARDIAC ABNORMALITIES; CARDIOMYOPATHY, ARRHYTHMOGENIC RIGHT VENTRICULAR, WITH SKIN, HAIR, AND NAIL ABNORMALITIES. Identifiers: Orphanet 34217, MedGen C1832600, MONDO:0011017, OMIM 601214.
Arrhythmogenic right ventricular dysplasia 12. Also called: ARRHYTHMOGENIC RIGHT VENTRICULAR DYSPLASIA, FAMILIAL, 12. Identifiers: MedGen C1969081, MONDO:0012684, OMIM 611528.

Submission:

Labcorp Genetics (formerly Invitae), Labcorp
Classification: Uncertain significance for Arrhythmogenic right ventricular dysplasia 12; Naxos disease. Last evaluated: 2020-08-04. Review status: criteria provided, single submitter. Criteria: Invitae Variant Classification Sherloc (09022015). Collection method: clinical testing. Allele origin: germline.
Comment: In summary, the available evidence is currently insufficient to determine the role of this variant in disease. Therefore, it has been classified as a Variant of Uncertain Significance. Algorithms developed to predict the effect of missense changes on protein structure and function are either unavailable or do not agree on the potential impact of this missense change (SIFT: "Deleterious"; PolyPhen-2: "Benign"; Align-GVGD: "Class C0"). This variant has not been reported in the literature in individuals with JUP-related conditions. This variant is not present in population databases (ExAC no frequency). This sequence change replaces alanine with threonine at codon 286 of the JUP protein (p.Ala286Thr). The alanine residue is highly conserved and there is a small physicochemical difference between alanine and threonine.

NM_002230.4(JUP):c.856G>A (p.Ala286Thr)

Gene: JUP (junction plakoglobin; minus strand). Cytogenetic location: 17q21.2.
Variant type: single nucleotide variant.
Coding change: c.856G>A on transcript NM_002230.4 (MANE Select); coding-DNA position 856, G replaced by A.
Protein change: p.Ala286Thr; replaces alanine 286 with threonine.
Molecular consequence: missense variant.
Genome position (GRCh38, 1-based): chr17:41,767,432, C>T on the plus strand (G>A on the coding strand, the complement: JUP is on the minus strand). VCF-style: chr17-41767432-C-T. GRCh37 (hg19) VCF-style: chr17-39923684-C-T.
Other names: c.856G>A, p.Ala286Thr (NM_001352773.2, NM_001352774.2, NM_001352775.2 and 3 more transcripts); short protein forms A286T.
Identifiers: ClinVar variation 1043524 (VCV001043524.8), dbSNP rs1915907385, ClinGen allele CA399500829.